The following is an entry in ClinVar:

NM_002860.4(ALDH18A1):c.409G>A (p.Val137Met)

Gene: ALDH18A1 (aldehyde dehydrogenase 18 family member A1; minus strand). Cytogenetic location: 10q24.1.
Variant type: single nucleotide variant.
Coding change: c.409G>A on transcript NM_002860.4 (MANE Select); coding-DNA position 409, G replaced by A.
Protein change: p.Val137Met; replaces valine 137 with methionine.
Molecular consequence: missense variant. On other transcripts: intron variant (1).
Genome position (GRCh38, 1-based): chr10:95,637,331, C>T on the plus strand (G>A on the coding strand, the complement: ALDH18A1 is on the minus strand). VCF-style: chr10-95637331-C-T. GRCh37 (hg19) VCF-style: chr10-97397088-C-T.
Other names: c.409G>A, p.Val137Met (NM_001017423.2, NM_001323413.2, NM_001323414.2 and 2 more transcripts); c.76G>A, p.Val26Met (NM_001323412.2, NM_001323416.2, NM_001323418.2); c.-78-3682G>A (NM_001323419.2); c.409G>A (NM_002860.3); short protein forms V137M, V26M.
Identifiers: ClinVar variation 3756152 (VCV003756152.3).
Genomic context (GRCh38, chr10:95,637,331, plus strand): 5'-GGGAAGCAGCACTCACCATTTCTTTCAGCTGGTTCTGCCCCGAGTGGAGGGCCTGCCGCA[C>T]GCTCTGAGACAGAAGGATCTCATGGCGCAAGCGTTGTTTGCCAAAGGCTACGGCTCCACT-3'
Protein context (NP_002851.2, residues 127-147): LRHEILLSQS[Val137Met]RQALHSGQNQ

ClinVar aggregate classification (germline): Uncertain significance. Review status: criteria provided, multiple submitters, no conflicts (2 of 4 stars). 2 submissions from 2 submitters: Uncertain significance (2). Last evaluated 2025-12-11.

Conditions:
Cutis laxa, autosomal dominant 3 (ADCL3). Identifiers: Orphanet 90348, MedGen C4225268, MONDO:0014706, OMIM 616603.
Autosomal dominant spastic paraplegia type 9. Identifiers: MedGen C1832669, MONDO:0015091.
de Barsy syndrome. Also called: Cutis laxa-corneal clouding-oligophrenia syndrome. Identifiers: Orphanet 2962, MedGen C0268354, MONDO:0017569.
Inborn genetic diseases. Identifiers: MedGen C0950123, MeSH D030342.

gnomAD v4.1: 4 of 1,614,142 alleles (0.00025%); highest among the groups gnomAD compares: African/African-American, 0.0013%; no homozygotes.

Submissions (2):

Ambry Genetics
Classification: Uncertain significance for Inborn genetic diseases. Last evaluated: 2025-12-11. Review status: criteria provided, single submitter. Criteria: Ambry Variant Classification Scheme 2023. Collection method: clinical testing. Allele origin: germline.

Labcorp Genetics (formerly Invitae), Labcorp
Classification: Uncertain significance for Autosomal dominant spastic paraplegia type 9; de Barsy syndrome; Cutis laxa, autosomal dominant 3. Last evaluated: 2024-04-25. Review status: criteria provided, single submitter. Criteria: Invitae Variant Classification Sherloc (09022015). Collection method: clinical testing. Allele origin: germline.
Comment: This sequence change replaces valine, which is neutral and non-polar, with methionine, which is neutral and non-polar, at codon 137 of the ALDH18A1 protein (p.Val137Met). This variant is not present in population databases (gnomAD no frequency). This variant has not been reported in the literature in individuals affected with ALDH18A1-related conditions. Advanced modeling of protein sequence and biophysical properties (such as structural, functional, and spatial information, amino acid conservation, physicochemical variation, residue mobility, and thermodynamic stability) performed at Invitae indicates that this missense variant is not expected to disrupt ALDH18A1 protein function with a negative predictive value of 95%. In summary, the available evidence is currently insufficient to determine the role of this variant in disease. Therefore, it has been classified as a Variant of Uncertain Significance.